The following is an entry in ClinVar:

ClinVar aggregate classification (germline): Benign/Likely benign. Review status: criteria provided, multiple submitters, no conflicts (2 of 4 stars). 11 submissions from 11 submitters: Benign (5); Likely benign (3). 3 of the submissions do not count toward it. Last evaluated 2026-06-23.

Conditions:
FGFR3-related chondrodysplasia. Identifiers: Orphanet 93420, MedGen C5681604, MONDO:0019685.

Allele frequency attached by ClinVar (database versions not stated): TOPMed 0.00108; gnomAD exomes 0.00074 and 0.00108; ESP Exome Variant Server 0.00093; gnomAD 0.00097 and 0.00116; ExAC 0.00123; 1000 Genomes Project 30x 0.00250; 1000 Genomes Project 0.00260.

Submissions (11):

Genomenon, Inc
Classification: Benign for FGFR3-related chondrodysplasia. Last evaluated: 2026-06-23. Review status: criteria provided, single submitter. Criteria: Genomenon Sequence Variant Interpretation Standards - Updated. Collection method: curation. Allele origin: germline. Affected: no.
Comment: FGFR3 p.Gly65Arg (c.193G>A) is a missense variant that changes the amino acid at codon 65 from Glycine to Arginine. In silico models predict that this variant is not damaging. This variant is present at high allele frequency in population databases. We classify FGFR3 p.Gly65Arg (c.193G>A) as a benign variant.

Women's Health and Genetics/Laboratory Corporation of America, LabCorp
Classification: Likely benign. Last evaluated: 2026-05-13. Review status: criteria provided, single submitter. Criteria: LabCorp Variant Classification Summary - May 2015. Collection method: clinical testing. Allele origin: germline.

Labcorp Genetics (formerly Invitae), Labcorp
Classification: Benign. Last evaluated: 2026-01-29. Review status: criteria provided, single submitter. Criteria: Invitae Variant Classification Sherloc (09022015). Collection method: clinical testing. Allele origin: germline.

Blueprint Genetics
Classification: Likely benign. Last evaluated: 2024-11-25. Review status: criteria provided, single submitter. Criteria: ACMG Guidelines, 2015. Collection method: clinical testing. Allele origin: germline.

Athena Diagnostics
Classification: Benign. Last evaluated: 2021-02-23. Review status: criteria provided, single submitter. Criteria: Athena Diagnostics criteria. Collection method: clinical testing. Allele origin: unknown.

ARUP Laboratories, Molecular Genetics and Genomics, ARUP Laboratories
Classification: Benign. Last evaluated: 2019-08-20. Review status: criteria provided, single submitter. Criteria: ARUP Molecular Germline Variant Investigation Process. Collection method: clinical testing. Allele origin: germline.

GeneDx
Classification: Benign. Last evaluated: 2019-02-19. Review status: criteria provided, single submitter. Criteria: GeneDx Variant Classification Process June 2021. Collection method: clinical testing. Allele origin: germline. Affected: yes.
Comment: This variant is associated with the following publications: (PMID: 28471124, 29072634, 22903874)

PreventionGenetics, part of Exact Sciences
Classification: Likely benign. Review status: criteria provided, single submitter. Criteria: ACMG Guidelines, 2015. Collection method: clinical testing. Allele origin: germline.

ITMI
No classification provided. Condition: AllHighlyPenetrant. Last evaluated: 2013-09-19. Review status: no classification provided. Collection method: reference population. Allele origin: germline. Not counted in ClinVar's aggregate classification.
Comment: Please see associated publication for description of ethnicities

Clinical Genetics DNA and cytogenetics Diagnostics Lab, Erasmus MC, Erasmus Medical Center
Classification: Likely benign. Review status: no assertion criteria provided. Collection method: clinical testing. Allele origin: germline. Affected: yes. Study: VKGL Data-share Consensus. Not counted in ClinVar's aggregate classification.

Laboratory of Diagnostic Genome Analysis, Leiden University Medical Center (LUMC)
Classification: Likely benign. Review status: no assertion criteria provided. Collection method: clinical testing. Allele origin: germline. Affected: yes. Study: VKGL Data-share Consensus. Not counted in ClinVar's aggregate classification.

Literature cited by the submitters: PubMed 22903874 (cited by Athena Diagnostics); PubMed 24728327 (cited by ITMI).

NM_000142.5(FGFR3):c.193G>A (p.Gly65Arg)

Gene: FGFR3 (fibroblast growth factor receptor 3; plus strand). Cytogenetic location: 4p16.3.
Variant type: single nucleotide variant.
Coding change: c.193G>A on transcript NM_000142.5 (MANE Select); coding-DNA position 193, G replaced by A.
Protein change: p.Gly65Arg; replaces glycine 65 with arginine.
Molecular consequence: missense variant. On other transcripts: non-coding transcript variant (1).
Genome position (GRCh38, 1-based): chr4:1,799,337, G>A. VCF-style: chr4-1799337-G-A. GRCh37 (hg19) VCF-style: chr4-1801064-G-A.
Other names: c.193G>A, p.Gly65Arg (NM_001163213.2, NM_001354809.2, NM_001354810.2 and 1 more transcripts); short protein forms G65R.
Identifiers: ClinVar variation 134399 (VCV000134399.27), dbSNP rs2305178, ClinGen allele CA159694.